The following is an entry in ClinVar:

ClinVar aggregate classification (germline): Uncertain significance (1 of 4 stars; one submission).

Conditions:
NF1-related disorder. Also called: NF1-related condition. Identifiers: MedGen CN379171.

Submission:

PreventionGenetics, part of Exact Sciences
Classification: Uncertain significance for NF1-related condition. Last evaluated: 2025-02-11. Review status: criteria provided, single submitter. Criteria: ACMG Guidelines, 2015. Collection method: clinical testing. Allele origin: germline.
Comment: The NF1 c.8366A>C variant is predicted to result in the amino acid substitution p.Gln2789Pro. This variant is also known as c.8303A>C (p.Gln2768Pro) on the primary transcript NM_000267. To our knowledge, this variant has not been reported in the literature or in a large population database (gnomAD), indicating this variant is rare. At the time of reporting, this variant is absent in ClinVar. At this time, the clinical significance of this variant is uncertain due to the absence of conclusive functional and genetic evidence.

NM_001042492.3(NF1):c.8366A>C (p.Gln2789Pro)

Gene: NF1 (neurofibromin 1; plus strand). Cytogenetic location: 17q11.2.
Variant type: single nucleotide variant.
Coding change: c.8366A>C on transcript NM_001042492.3 (MANE Select); coding-DNA position 8366, A replaced by C.
Protein change: p.Gln2789Pro; replaces glutamine 2789 with proline.
Molecular consequence: missense variant.
Genome position (GRCh38, 1-based): chr17:31,360,692, A>C. VCF-style: chr17-31360692-A-C. GRCh37 (hg19) VCF-style: chr17-29687710-A-C.
Other names: c.8303A>C, p.Gln2768Pro (NM_000267.4); short protein forms Q2768P, Q2789P.
Identifiers: ClinVar variation 5000598 (VCV005000598.1).